The following is an entry in ClinVar:

NM_000540.3(RYR1):c.1187A>C (p.Glu396Ala)

Gene: RYR1 (ryanodine receptor 1; plus strand). Cytogenetic location: 19q13.2.
Variant type: single nucleotide variant.
Coding change: c.1187A>C on transcript NM_000540.3 (MANE Select); coding-DNA position 1187, A replaced by C.
Protein change: p.Glu396Ala; replaces glutamic acid 396 with alanine.
Molecular consequence: missense variant.
Genome position (GRCh38, 1-based): chr19:38,451,828, A>C. VCF-style: chr19-38451828-A-C. GRCh37 (hg19) VCF-style: chr19-38942468-A-C.
Other names: c.1187A>C, p.Glu396Ala (NM_001042723.2); short protein forms E396A.
Identifiers: ClinVar variation 3072993 (VCV003072993.2), dbSNP rs762454738, ClinGen allele CA057753.

ClinVar aggregate classification (germline): Uncertain significance (1 of 4 stars; one submission).

Conditions:
Malignant hyperthermia, susceptibility to, 1 (MHS1). Also called: Anesthesia related hyperthermia; Malignant hyperpyrexia; Fulminating hyperpyrexia; Pharmacogenic myopathy; RYR1-Related Malignant Hyperthermia Susceptibility; Malignant hyperthermia suceptibility 1. Identifiers: Orphanet 423, MedGen C2930980, MONDO:0007783, OMIM 145600.

Allele frequency attached by ClinVar (database versions not stated): TOPMed below 0.00001; ExAC 0.00001; gnomAD 0.00001; gnomAD exomes 0.00001.
gnomAD v4.1: 12 of 1,613,988 alleles (0.00074%); highest among the groups gnomAD compares: East Asian, 0.013%; no homozygotes.

Submission:

All of Us Research Program, National Institutes of Health
Classification: Uncertain significance for Malignant hyperthermia, susceptibility to, 1. Last evaluated: 2024-02-22. Review status: criteria provided, single submitter. Criteria: ACMG Guidelines, 2015. Collection method: clinical testing. Allele origin: germline. Inheritance: Autosomal dominant inheritance. Observed: 2 variant alleles, 2 heterozygotes.
Comment: This missense variant replaces glutamic acid with alanine at codon 396 of the RYR1 protein. Computational prediction suggests that this variant may have deleterious impact on protein structure and function (internally defined REVEL score threshold >= 0.7, PMID: 27666373). To our knowledge, functional studies have not been reported for this variant. This variant has not been reported in individuals affected with RYR1-related disorders in the literature. This variant has been identified in 3/282760 chromosomes in the general population by the Genome Aggregation Database (gnomAD). The available evidence is insufficient to determine the role of this variant in disease conclusively. Therefore, this variant is classified as a Variant of Uncertain Significance.

This study involves interpretation of variants in research participants for the purpose of population health screening. Participant phenotype was not available at the time of variant classification. Additional details can be found in publication PMID: 35346344, PMCID: PMC8962531